The following is an entry in ClinVar:

NM_007294.4(BRCA1):c.1415C>G (p.Pro472Arg)

Gene: BRCA1 (BRCA1 DNA repair associated; minus strand). Cytogenetic location: 17q21.31.
Variant type: single nucleotide variant.
Coding change: c.1415C>G on transcript NM_007294.4 (MANE Select); coding-DNA position 1415, C replaced by G.
Protein change: p.Pro472Arg; replaces proline 472 with arginine.
Molecular consequence: missense variant. On other transcripts: intron variant (137).
Genome position (GRCh38, 1-based): chr17:43,094,116, G>C on the plus strand (C>G on the coding strand, the complement: BRCA1 is on the minus strand). VCF-style: chr17-43094116-G-C. GRCh37 (hg19) VCF-style: chr17-41246133-G-C.
Other names: c.1202C>G, p.Pro401Arg (NM_001407571.1, NM_001407853.1, NM_001407894.1 and 9 more transcripts); c.1415C>G, p.Pro472Arg (NM_001407581.1, NM_001407582.1, NM_001407583.1 and 30 more transcripts); c.1412C>G, p.Pro471Arg (NM_001407587.1, NM_001407590.1, NM_001407591.1 and 22 more transcripts); c.1289C>G, p.Pro430Arg (NM_001407685.1, NM_001407686.1, NM_001407687.1 and 11 more transcripts); c.1274C>G, p.Pro425Arg (NM_001407692.1, NM_001407694.1, NM_001407695.1 and 29 more transcripts); c.1271C>G, p.Pro424Arg (NM_001407740.1, NM_001407741.1, NM_001407742.1 and 20 more transcripts); c.1406C>G, p.Pro469Arg (NM_001407646.1, NM_001407647.1); c.1292C>G, p.Pro431Arg (NM_001407648.1, NM_001407664.1, NM_001407665.1 and 19 more transcripts); and 40 more; short protein forms P176R, P304R, P344R, P345R, P360R, P361R, P383R, P384R.
Identifiers: ClinVar variation 3386221 (VCV003386221.1).
Genomic context (GRCh38, chr17:43,094,116, plus strand): 5'-ATCTGTGGCTCAGTAACAAATGCTCCTATAATTAGATTTTCAGTTACATGGCTTAAGTTG[G>C]GGAGGCTTGCCTTCTTCCGATAGGTTTTCCCAAATATTTTGTCTTCAATATTACTCTCTA-3'
Protein context (NP_009225.1, residues 462-482): GKTYRKKASL[Pro472Arg]NLSHVTENLI

ClinVar aggregate classification (germline): Uncertain significance (1 of 4 stars; one submission).

Conditions:
BRCA1-related cancer predisposition. Identifiers: MedGen CN377757, MONDO:0700268.

Submission:

All of Us Research Program, National Institutes of Health
Classification: Uncertain significance for BRCA1-related cancer predisposition. Last evaluated: 2024-08-06. Review status: criteria provided, single submitter. Criteria: ACMG Guidelines, 2015. Collection method: clinical testing. Allele origin: germline. Inheritance: Autosomal dominant inheritance. Observed: 1 variant allele, 1 heterozygote.
Comment: This study involves interpretation of variants in research participants for the purpose of population health screening. Participant phenotype was not available at the time of variant classification. Additional details can be found in publication PMID: 35346344, PMCID: PMC8962531